The following is an entry in ClinVar:

ClinVar aggregate classification (germline): Uncertain significance (1 of 4 stars; one submission).

Conditions:
Inborn genetic diseases. Identifiers: MedGen C0950123, MeSH D030342.

Submission:

Ambry Genetics
Classification: Uncertain significance for Inborn genetic diseases. Last evaluated: 2026-04-15. Review status: criteria provided, single submitter. Criteria: Ambry Variant Classification Scheme 2023. Collection method: clinical testing. Allele origin: germline.
Comment: The p.P238L variant (also known as c.713C>T), located in coding exon 8 of the DDX41 gene, results from a C to T substitution at nucleotide position 713. The proline at codon 238 is replaced by leucine, an amino acid with similar properties. This amino acid position is highly conserved in available vertebrate species. In addition, this alteration is predicted to be deleterious by in silico analysis. Based on the available evidence, the clinical significance of this variant remains unclear.

NM_016222.4(DDX41):c.713C>T (p.Pro238Leu)

Gene: DDX41 (DEAD-box helicase 41; minus strand). Cytogenetic location: 5q35.3.
Variant type: single nucleotide variant.
Coding change: c.713C>T on transcript NM_016222.4 (MANE Select); coding-DNA position 713, C replaced by T.
Protein change: p.Pro238Leu; replaces proline 238 with leucine.
Molecular consequence: missense variant.
Genome position (GRCh38, 1-based): chr5:177,515,001, G>A on the plus strand (C>T on the coding strand, the complement: DDX41 is on the minus strand). VCF-style: chr5-177515001-G-A. GRCh37 (hg19) VCF-style: chr5-176942002-G-A.
Other names: c.335C>T, p.Pro112Leu (NM_001321732.2, NM_001321830.2); short protein forms P112L, P238L.
Identifiers: ClinVar variation 4869645 (VCV004869645.1).
Genomic context (GRCh38, chr5:177,515,001, plus strand): 5'-GGCCCCTCGCGCTTTGAGAAGGGTAACCTCTTCTCTTGTTCCAGGCAGAACATGATGACG[G>A]GCAACGTGAACACCAGTGTCTTGCCTGAACCCGTGAAAGCGATGCCTATCATGTCACGGC-3'
Protein context (NP_057306.2, residues 228-248): GSGKTLVFTL[Pro238Leu]VIMFCLEQEK